The following is an entry in ClinVar:

ClinVar aggregate classification (germline): Uncertain significance. Review status: criteria provided, multiple submitters, no conflicts (2 of 4 stars). 3 submissions from 3 submitters: Uncertain significance (3). Last evaluated 2023-10-20.

Conditions:
Autosomal recessive ataxia, Beauce type. Also called: Spinocerebellar ataxia, autosomal recessive 8; ATAXIA, RECESSIVE, OF BEAUCE; SYNE1-Related Autosomal Recessive Cerebellar Ataxia; SYNE1 Deficiency. Identifiers: Orphanet 88644, MedGen C1853116, MONDO:0012549, OMIM 610743.
Emery-Dreifuss muscular dystrophy 4, autosomal dominant (EDMD4). Also called: EMERY-DREIFUSS MUSCULAR DYSTROPHY 4 WITH VARIABLE FEATURES. Identifiers: Orphanet 261, MedGen C2751807, MONDO:0013071, OMIM 612998.

Allele frequency attached by ClinVar (database versions not stated): gnomAD 0.00001 and 0.00002; ExAC 0.00002; gnomAD exomes 0.00002; TOPMed 0.00002; ESP Exome Variant Server 0.00008; 1000 Genomes Project 30x 0.00016; 1000 Genomes Project 0.00020.
gnomAD v4.1: 40 of 1,613,822 alleles (0.0025%); highest among the groups gnomAD compares: South Asian, 0.0066%; no homozygotes.

Submissions (3):

Revvity Omics, Revvity
Classification: Uncertain significance. Last evaluated: 2023-10-20. Review status: criteria provided, single submitter. Criteria: ACMG Guidelines, 2015. Collection method: clinical testing. Allele origin: germline.

Labcorp Genetics (formerly Invitae), Labcorp
Classification: Uncertain significance for Emery-Dreifuss muscular dystrophy 4, autosomal dominant; Autosomal recessive ataxia, Beauce type. Last evaluated: 2022-03-18. Review status: criteria provided, single submitter. Criteria: Invitae Variant Classification Sherloc (09022015). Collection method: clinical testing. Allele origin: germline.
Comment: This sequence change replaces threonine, which is neutral and polar, with methionine, which is neutral and non-polar, at codon 1655 of the SYNE1 protein (p.Thr1655Met). This variant is present in population databases (rs199797561, gnomAD 0.006%). This variant has not been reported in the literature in individuals affected with SYNE1-related conditions. ClinVar contains an entry for this variant (Variation ID: 283683). Algorithms developed to predict the effect of missense changes on protein structure and function output the following: SIFT: "Tolerated"; PolyPhen-2: "Benign"; Align-GVGD: "Class C0". The methionine amino acid residue is found in multiple mammalian species, which suggests that this missense change does not adversely affect protein function. In summary, the available evidence is currently insufficient to determine the role of this variant in disease. Therefore, it has been classified as a Variant of Uncertain Significance.

Eurofins Ntd Llc (ga)
Classification: Uncertain significance. Last evaluated: 2015-10-22. Review status: criteria provided, single submitter. Criteria: EGL Classification Definitions 2015. Collection method: clinical testing. Allele origin: germline. Observed: 2 variant alleles, 2 heterozygotes.

NM_182961.4(SYNE1):c.4943C>T (p.Thr1648Met)

Gene: SYNE1 (spectrin repeat containing nuclear envelope protein 1; minus strand). Cytogenetic location: 6q25.2.
Variant type: single nucleotide variant.
Coding change: c.4943C>T on transcript NM_182961.4 (MANE Select); coding-DNA position 4943, C replaced by T.
Protein change: p.Thr1648Met; replaces threonine 1648 with methionine.
Molecular consequence: missense variant.
Genome position (GRCh38, 1-based): chr6:152,428,238, G>A on the plus strand (C>T on the coding strand, the complement: SYNE1 is on the minus strand). VCF-style: chr6-152428238-G-A. GRCh37 (hg19) VCF-style: chr6-152749373-G-A.
Other names: c.4964C>T, p.Thr1655Met (NM_033071.5); short protein forms T1648M, T1655M.
Identifiers: ClinVar variation 283683 (VCV000283683.14), dbSNP rs199797561, ClinGen allele CA4058423.